The following is an entry in ClinVar:

ClinVar aggregate classification (germline): Likely pathogenic (1 of 4 stars; one submission).

Conditions:
Coffin-Lowry syndrome (CLS). Also called: Mental retardation with osteocartilaginous abnormalities; COFFIN-LOWRY SYNDROME, MILD. Identifiers: Orphanet 192, MedGen C0265252, MONDO:0010561, OMIM 303600.

Submission:

Victorian Clinical Genetics Services, Murdoch Childrens Research Institute
Classification: Likely pathogenic for Coffin-Lowry syndrome. Last evaluated: 2024-10-10. Review status: criteria provided, single submitter. Criteria: ACMG Guidelines, 2015. Collection method: clinical testing. Allele origin: germline. Inheritance: X-linked dominant inheritance. Affected: yes.
Comment: Based on the classification scheme VCGS_Germline_v1.3.5, this variant is classified as Likely Pathogenic. Following criteria are met: 0102 - Loss of function is a known mechanism of disease in this gene and is associated with Coffin-Lowry syndrome (MIM#303600) and intellectual developmental disorder, X-linked 19 (MIM#300844). (I) 0110 - This gene is associated with X-linked dominant disease. Females may be severely affected or very mild, with some affected males having inherited their variants from unaffected mothers (PMIDs: 19888300, 16879200). (I) 0115 - Variants in this gene are known to have variable expressivity, with intrafamilial variability reported (PMID: 32858545). (I) 0200 - Variant is predicted to result in a missense amino acid change from asparagine to lysine. This variant is located at the first base of an exon. (I) 0253 - This variant is hemizygous. (I) 0301 - Variant is absent from gnomAD (v2, v3 and v4). (SP) 0501 - Missense variant consistently predicted to be damaging by multiple in silico tools or highly conserved with a major amino acid change. Abnormal splicing is not predicted and the nucleotide is poorly conserved . (SP) 0603 - Missense variant in the protein kinase domain that is highly intolerant to missense variation (high constraint region in DECIPHER, gnomAD). (SP) 0704 - Another missense variant comparable to the one identified in this case has limited previous evidence for pathogenicity. (SP) 0807 - This variant has no previous evidence of pathogenicity. (I) 0905 - No published segregation evidence has been identified for this variant. (I) 1007 - No published functional evidence has been identified for this variant. (SP) Legend: (SP) - Supporting pathogenic, (I) - Information, (SB) - Supporting benign

Literature cited by the submitters: PubMed 16879200; PubMed 19888300; PubMed 32858545; PubMed 37804371.

NM_004586.3(RPS6KA3):c.594T>G (p.Asn198Lys)

Gene: RPS6KA3 (ribosomal protein S6 kinase A3; minus strand). Cytogenetic location: Xp22.12.
Variant type: single nucleotide variant.
Coding change: c.594T>G on transcript NM_004586.3 (MANE Select); coding-DNA position 594, T replaced by G.
Protein change: p.Asn198Lys; replaces asparagine 198 with lysine.
Molecular consequence: missense variant.
Genome position (GRCh38, 1-based): chrX:20,188,534, A>C on the plus strand (T>G on the coding strand, the complement: RPS6KA3 is on the minus strand). VCF-style: chrX-20188534-A-C. GRCh37 (hg19) VCF-style: chrX-20206652-A-C.
Other names: short protein forms N198K.
Identifiers: ClinVar variation 3377328 (VCV003377328.1).
Genomic context (GRCh38, chrX:20,188,534, plus strand): 5'-TAAAACGAGGATTTTTTTTTTACCTGTTAACTTGATGTGACCTTCTTCATCAAGAAGTAT[A>C]CTGAAAAAAACAAAGAAAATCTTTTAAGAACACTAAATAGAGATTTATAGAAGCTAAGAC-3'
Protein context (NP_004577.1, residues 188-208): GIIYRDLKPE[Asn198Lys]ILLDEEGHIK